The following is an entry in ClinVar:

ClinVar aggregate classification (germline): Uncertain significance. Review status: criteria provided, multiple submitters, no conflicts (2 of 4 stars). 5 submissions from 5 submitters: Uncertain significance (5). Last evaluated 2025-10-01.

Conditions:
Inborn genetic diseases. Identifiers: MedGen C0950123, MeSH D030342.
Congenital myasthenic syndrome 10. Also called: Myasthenia, limb-girdle, familial. Identifiers: Orphanet 590, MedGen C1850792, MONDO:0009690, OMIM 254300.
Fetal akinesia deformation sequence 1 (FADS1). Also called: Fetal akinesia sequence; Pena-Shokeir syndrome type I. Identifiers: Orphanet 994, MedGen C1276035, MONDO:0100101, OMIM 208150, HP:0001989.
Fetal akinesia deformation sequence 3. Identifiers: MedGen C4760599, MONDO:0100103, OMIM 618389.

Allele frequency attached by ClinVar (database versions not stated): TOPMed 0.00004.
gnomAD v4.1: 69 of 1,611,912 alleles (0.0043%); highest among the groups gnomAD compares: Admixed American, 0.085%; no homozygotes.

Submissions (5):

Ambry Genetics
Classification: Uncertain significance for Inborn genetic diseases. Last evaluated: 2025-10-01. Review status: criteria provided, single submitter. Criteria: Ambry Variant Classification Scheme 2023. Collection method: clinical testing. Allele origin: germline.

CeGaT Center for Human Genetics Tuebingen
Classification: Uncertain significance. Last evaluated: 2025-03-01. Review status: criteria provided, single submitter. Criteria: CeGaT Center For Human Genetics Tuebingen Variant Classification Criteria Version 2. Collection method: clinical testing. Allele origin: germline. Affected: yes. Observed: 1 variant allele.
Comment: DOK7: PM2:Supporting, BP4

Foundation for Research in Genetics and Endocrinology, FRIGE's Institute of Human Genetics
Classification: Uncertain significance for Fetal akinesia deformation sequence 3. Last evaluated: 2022-10-19. Review status: criteria provided, single submitter. Criteria: ACMG Guidelines, 2015. Collection method: clinical testing. Allele origin: germline. Inheritance: Autosomal recessive inheritance. Affected: yes. Observed: 1 heterozygote.
Comment: A heterozygous missense variation in exon 7 of the DOK7 gene (chr4:g.3493244C>T; Depth: 240x) that results in the amino acid substitution of Serine for Proline at codon 420 (p.Pro420Ser; ENST00000340083.6) was detected (Table). This variant has not been reported in the 1000 genomes databases and gnomAD, and has a minor allele frequency of 0.004% in our internal database. The reference codon is conserved across primates.

Labcorp Genetics (formerly Invitae), Labcorp
Classification: Uncertain significance for Congenital myasthenic syndrome 10; Fetal akinesia deformation sequence 1. Last evaluated: 2022-08-16. Review status: criteria provided, single submitter. Criteria: Invitae Variant Classification Sherloc (09022015). Collection method: clinical testing. Allele origin: germline.
Comment: This sequence change replaces proline, which is neutral and non-polar, with serine, which is neutral and polar, at codon 420 of the DOK7 protein (p.Pro420Ser). This variant is present in population databases (rs150497723, gnomAD 0.08%). This variant has not been reported in the literature in individuals affected with DOK7-related conditions. ClinVar contains an entry for this variant (Variation ID: 451362). Algorithms developed to predict the effect of missense changes on protein structure and function output the following: SIFT: "Tolerated"; PolyPhen-2: "Benign"; Align-GVGD: "Class C0". The serine amino acid residue is found in multiple mammalian species, which suggests that this missense change does not adversely affect protein function. In summary, the available evidence is currently insufficient to determine the role of this variant in disease. Therefore, it has been classified as a Variant of Uncertain Significance.

GeneDx
Classification: Uncertain significance. Last evaluated: 2019-08-09. Review status: criteria provided, single submitter. Criteria: GeneDx Variant Classification Process June 2021. Collection method: clinical testing. Allele origin: germline. Affected: yes.
Comment: In silico analysis, which includes protein predictors and evolutionary conservation, supports a deleterious effect; Has not been previously published as pathogenic or benign to our knowledge

NM_173660.5(DOK7):c.1258C>T (p.Pro420Ser)

Gene: DOK7 (docking protein 7; plus strand). Cytogenetic location: 4p16.3.
Variant type: single nucleotide variant.
Coding change: c.1258C>T on transcript NM_173660.5 (MANE Select); coding-DNA position 1258, C replaced by T.
Protein change: p.Pro420Ser; replaces proline 420 with serine.
Molecular consequence: missense variant. On other transcripts: 3 prime UTR variant (1).
Genome position (GRCh38, 1-based): chr4:3,493,244, C>T. VCF-style: chr4-3493244-C-T. GRCh37 (hg19) VCF-style: chr4-3494971-C-T.
Other names: p.Pro420Ser; c.*479C>T (NM_001164673.2); c.328C>T, p.Pro110Ser (NM_001256896.2); c.1258C>T, p.Pro420Ser (NM_001301071.2); c.826C>T, p.Pro276Ser (NM_001363811.2); short protein forms P420S, P276S, P110S.
Identifiers: ClinVar variation 451362 (VCV000451362.25), dbSNP rs150497723, ClinGen allele CA2829432.
Genomic context (GRCh38, chr4:3,493,244, plus strand): 5'-TCCCTGCGGGCCCACTATGACACACCACGCAGCCTTTGCCTGGCTCCTAGAGACCACAGC[C>T]CCCCCTCACAGGGCAGCCCCGGCAACAGTGCGGCCAGGGACTCAGGCGGCCAGACGTCCG-3'
Protein context (NP_775931.3, residues 410-430): SLCLAPRDHS[Pro420Ser]PSQGSPGNSA